The following is an entry in ClinVar:

NM_002693.3(POLG):c.3559C>T (p.Arg1187Trp)

Gene: POLG (DNA polymerase gamma, catalytic subunit; minus strand). Cytogenetic location: 15q26.1.
Variant type: single nucleotide variant.
Coding change: c.3559C>T on transcript NM_002693.3 (MANE Select); coding-DNA position 3559, C replaced by T.
Protein change: p.Arg1187Trp; replaces arginine 1187 with tryptophan.
Molecular consequence: missense variant.
Genome position (GRCh38, 1-based): chr15:89,317,460, G>A on the plus strand (C>T on the coding strand, the complement: POLG is on the minus strand). VCF-style: chr15-89317460-G-A. GRCh37 (hg19) VCF-style: chr15-89860691-G-A.
Other names: p.R1187W:CGG>TGG; c.3559C>T, p.Arg1187Trp (NM_001126131.2); short protein forms R1187W.
Identifiers: ClinVar variation 206570 (VCV000206570.65), dbSNP rs369544574, ClinGen allele CA316784.

ClinVar aggregate classification (germline): Conflicting classifications of pathogenicity. Review status: criteria provided, conflicting classifications (1 of 4 stars). 10 submissions from 10 submitters: Uncertain significance (2); Benign (2); Likely benign (5). 1 of the submissions does not count toward it. Last evaluated 2026-02-02.

Conditions:
Inborn genetic diseases. Identifiers: MedGen C0950123, MeSH D030342.
POLG-related disorder. Also called: POLG-Related Spectrum Disorders; POLG-related condition; POLG-Related Disorders. Identifiers: MedGen C4763519.
Hereditary spastic paraplegia. Also called: Familial spastic paraparesis. Identifiers: Orphanet 685, MedGen C0037773, MONDO:0019064. Disease mechanism: loss of function.
Progressive sclerosing poliodystrophy (MTDPS4A). Also called: Mitochondrial DNA depletion syndrome 4A (Alpers type); Mitochondrial DNA Depletion Syndrome 4A; ALPERS PROGRESSIVE INFANTILE POLIODYSTROPHY; Alpers-Huttenlocher Syndrome; Alpers Syndrome; ALPERS DIFFUSE DEGENERATION OF CEREBRAL GRAY MATTER WITH HEPATIC CIRRHOSIS. Identifiers: Orphanet 726, MedGen C0205710, MONDO:0008758, OMIM 203700.

Allele frequency attached by ClinVar (database versions not stated): gnomAD 0.00037 and 0.00007; gnomAD exomes 0.00047 and 0.00097; 1000 Genomes Project 30x 0.00109; ExAC 0.00110; 1000 Genomes Project 0.00120; TOPMed 0.00011.
gnomAD v4.1: 746 of 1,614,036 alleles (0.046%); highest among the groups gnomAD compares: South Asian, 0.68%; 16 homozygotes.

Submissions (10):

Labcorp Genetics (formerly Invitae), Labcorp
Classification: Benign for Progressive sclerosing poliodystrophy. Last evaluated: 2026-02-02. Review status: criteria provided, single submitter. Criteria: Invitae Variant Classification Sherloc (09022015). Collection method: clinical testing. Allele origin: germline.

Athena Diagnostics
Classification: Benign. Last evaluated: 2024-03-15. Review status: criteria provided, single submitter. Criteria: Athena Diagnostics Criteria. Collection method: clinical testing. Allele origin: unknown.

Genome Diagnostics Laboratory, The Hospital for Sick Children
Classification: Likely benign for Hereditary spastic paraplegia. Last evaluated: 2021-09-20. Review status: criteria provided, single submitter. Criteria: ACMG Guidelines, 2015. Collection method: clinical testing. Allele origin: germline. Affected: yes.

GeneDx
Classification: Likely benign. Last evaluated: 2021-01-22. Review status: criteria provided, single submitter. Criteria: GeneDx Variant Classification Process June 2021. Collection method: clinical testing. Allele origin: germline. Affected: yes.
Comment: This variant is associated with the following publications: (PMID: 26607151, 26341968, 23921535, 16857757, 33469851)

CeGaT Center for Human Genetics Tuebingen
Classification: Likely benign. Last evaluated: 2020-12-01. Review status: criteria provided, single submitter. Criteria: CeGaT Center For Human Genetics Tuebingen Variant Classification Criteria Version 2. Collection method: clinical testing. Allele origin: germline. Affected: yes. Observed: 1 variant allele.

Ambry Genetics
Classification: Likely benign for Inborn genetic diseases. Last evaluated: 2019-05-08. Review status: criteria provided, single submitter. Criteria: Ambry Variant Classification Scheme 2023. Collection method: clinical testing. Allele origin: germline.

Wong Mito Lab, Molecular and Human Genetics, Baylor College of Medicine
Classification: Uncertain significance for Progressive sclerosing poliodystrophy. Last evaluated: 2018-10-01. Review status: criteria provided, single submitter. Criteria: ACMG Guidelines, 2015. Collection method: clinical testing. Allele origin: germline.
Comment: The NM_002693.2:c.3559C>T (NP_002684.1:p.Arg1187Trp) [GRCH38: NC_000015.10:g.89317460G>A] variant in POLG gene is interpretated to be a Likely Pathogenic based on ACMG guidelines (PMID: 25741868). This variant has been reported in PMID:16857757 . This variant meets the following evidence codes reported in the ACMG-guideline. PM2:This variant is absent in key population databases. PM3:Detected in trans with a pathogenic variant for Mitochondrial DNA depletion syndrome 4A (Alpers type) which is a recessive disorder. PP2:This is a missense variant in POLG with a low rate of benign and high rate of pathogenic missense variations. PP4:Patient's phenotype or family history is highly specific for POLG. Based on the evidence criteria codes applied, the variant is suggested to be Likely Pathogenic.

Eurofins Ntd Llc (ga)
Classification: Likely benign. Last evaluated: 2016-04-26. Review status: criteria provided, single submitter. Criteria: EGL Classification Definitions 2015. Collection method: clinical testing. Allele origin: germline. Observed: 1 variant allele, 1 heterozygote.

Genetic Services Laboratory, University of Chicago
Classification: Uncertain significance. Last evaluated: 2014-08-14. Review status: criteria provided, single submitter. Criteria: ACMG Guidelines, 2015. Collection method: clinical testing. Allele origin: germline.

PreventionGenetics, part of Exact Sciences
Classification: Likely benign for POLG-related condition. Last evaluated: 2021-10-05. Review status: no assertion criteria provided. Collection method: clinical testing. Allele origin: germline. Not counted in ClinVar's aggregate classification.
Comment: This variant is classified as likely benign based on ACMG/AMP sequence variant interpretation guidelines (Richards et al. 2015 PMID: 25741868, with internal and published modifications).

Literature cited by the submitters: PubMed 33469851 (cited by Athena Diagnostics); PubMed 28480171 (cited by Athena Diagnostics); PubMed 26341968 (cited by Athena Diagnostics); PubMed 29420653 (cited by Athena Diagnostics); PubMed 33484326 (cited by Athena Diagnostics); PubMed 23921535 (cited by Athena Diagnostics); PubMed 16857757 (cited by Athena Diagnostics and Wong Mito Lab, Molecular and Human Genetics, Baylor College of Medicine).